The following is an entry in ClinVar:

NM_005585.5(SMAD6):c.451G>C (p.Glu151Gln)

Gene: SMAD6 (SMAD family member 6; plus strand). Cytogenetic location: 15q22.31.
Variant type: single nucleotide variant.
Coding change: c.451G>C on transcript NM_005585.5 (MANE Select); coding-DNA position 451, G replaced by C.
Protein change: p.Glu151Gln; replaces glutamic acid 151 with glutamine.
Molecular consequence: missense variant. On other transcripts: non-coding transcript variant (1).
Genome position (GRCh38, 1-based): chr15:66,703,709, G>C. VCF-style: chr15-66703709-G-C. GRCh37 (hg19) VCF-style: chr15-66996047-G-C.
Other names: short protein forms E151Q.
Identifiers: ClinVar variation 3798828 (VCV003798828.1).

ClinVar aggregate classification (germline): Uncertain significance (1 of 4 stars; one submission).

Conditions:
Inborn genetic diseases. Identifiers: MedGen C0950123, MeSH D030342.

gnomAD v4.1: 1 of 1,347,092 alleles (0.000074%); highest among the groups gnomAD compares: Non-Finnish European, 0.000097%; no homozygotes.

Submission:

Ambry Genetics
Classification: Uncertain significance for Inborn genetic diseases. Last evaluated: 2025-01-19. Review status: criteria provided, single submitter. Criteria: Ambry Variant Classification Scheme 2023. Collection method: clinical testing. Allele origin: germline.
Comment: The p.E151Q variant (also known as c.451G>C), located in coding exon 1 of the SMAD6 gene, results from a G to C substitution at nucleotide position 451. The glutamic acid at codon 151 is replaced by glutamine, an amino acid with highly similar properties. This amino acid position is conserved. In addition, this alteration is predicted to be tolerated by in silico analysis. Based on the available evidence, the clinical significance of this variant remains unclear.